The following is an entry in ClinVar:

NM_001458.5(FLNC):c.1976T>G (p.Leu659Arg)

Gene: FLNC (filamin C; plus strand). Cytogenetic location: 7q32.1.
Variant type: single nucleotide variant.
Coding change: c.1976T>G on transcript NM_001458.5 (MANE Select); coding-DNA position 1976, T replaced by G.
Protein change: p.Leu659Arg; replaces leucine 659 with arginine.
Molecular consequence: missense variant.
Genome position (GRCh38, 1-based): chr7:128,841,332, T>G. VCF-style: chr7-128841332-T-G. GRCh37 (hg19) VCF-style: chr7-128481386-T-G.
Other names: c.1976T>G, p.Leu659Arg (NM_001127487.2); short protein forms L659R.
Identifiers: ClinVar variation 290012 (VCV000290012.54), dbSNP rs576402053, ClinGen allele CA4474541.

ClinVar aggregate classification (germline): Benign/Likely benign. Review status: criteria provided, multiple submitters, no conflicts (2 of 4 stars). 12 submissions from 12 submitters: Benign (1); Likely benign (8). 3 of the submissions do not count toward it. Last evaluated 2026-02-01.

Conditions:
Hypertrophic cardiomyopathy 26. Also called: Cardiomyopathy, familial hypertrophic, 26. Identifiers: Orphanet 75249, MedGen C4310749, MONDO:0014883, OMIM 617047.
Distal myopathy with posterior leg and anterior hand involvement. Also called: WILLIAMS DISTAL MYOPATHY. Identifiers: Orphanet 63273, MedGen C3279722, MONDO:0013550, OMIM 614065.
Myofibrillar myopathy 5. Also called: Filaminopathy (type); FILAMINOPATHY, AUTOSOMAL DOMINANT. Identifiers: Orphanet 171445, MedGen C1836050, MONDO:0012289, OMIM 609524.
FLNC-related disorder. Also called: FLNC-related condition; FLNC-related disorders.
Cardiovascular phenotype. Identifiers: MedGen CN230736.

Allele frequency attached by ClinVar (database versions not stated): gnomAD 0.00002 and 0.00017; TOPMed 0.00005; gnomAD exomes 0.00025 and 0.00040; 1000 Genomes Project 0.00040; ExAC 0.00041; 1000 Genomes Project 30x 0.00047.
gnomAD v4.1: 397 of 1,614,054 alleles (0.025%); highest among the groups gnomAD compares: South Asian, 0.34%; 7 homozygotes.

Submissions (12):

Labcorp Genetics (formerly Invitae), Labcorp
Classification: Likely benign for Distal myopathy with posterior leg and anterior hand involvement; Myofibrillar myopathy 5; Hypertrophic cardiomyopathy 26. Last evaluated: 2026-02-01. Review status: criteria provided, single submitter. Criteria: Invitae Variant Classification Sherloc (09022015). Collection method: clinical testing. Allele origin: germline.

Molecular Diagnostic Laboratory for Inherited Cardiovascular Disease, Montreal Heart Institute
Classification: Likely benign. Last evaluated: 2025-07-24. Review status: criteria provided, single submitter. Criteria: ACMG Guidelines, 2015. Collection method: clinical testing. Allele origin: germline. Affected: no.
Comment: BS1;BP4

Blueprint Genetics
Classification: Likely benign. Last evaluated: 2024-09-18. Review status: criteria provided, single submitter. Criteria: ACMG Guidelines, 2015. Collection method: clinical testing. Allele origin: germline.

CeGaT Center for Human Genetics Tuebingen
Classification: Likely benign. Last evaluated: 2024-06-01. Review status: criteria provided, single submitter. Criteria: CeGaT Center For Human Genetics Tuebingen Variant Classification Criteria Version 2. Collection method: clinical testing. Allele origin: germline. Affected: yes. Observed: 7 variant alleles.
Comment: FLNC: BP4, BS1

Women's Health and Genetics/Laboratory Corporation of America, LabCorp
Classification: Likely benign. Last evaluated: 2023-04-17. Review status: criteria provided, single submitter. Criteria: LabCorp Variant Classification Summary - May 2015. Collection method: clinical testing. Allele origin: germline.

Dubai Health Genomic Medicine Center, Dubai Health
Classification: Likely benign. Last evaluated: 2020-09-07. Review status: criteria provided, single submitter. Criteria: ACMG Guidelines, 2015. Collection method: clinical testing. Allele origin: germline. Affected: yes.

GeneDx
Classification: Benign. Last evaluated: 2020-07-27. Review status: criteria provided, single submitter. Criteria: GeneDx Variant Classification Process June 2021. Collection method: clinical testing. Allele origin: germline. Affected: yes.

Ambry Genetics
Classification: Likely benign for Cardiovascular phenotype. Last evaluated: 2019-07-10. Review status: criteria provided, single submitter. Criteria: Ambry Variant Classification Scheme 2023. Collection method: clinical testing. Allele origin: germline.

Eurofins Ntd Llc (ga)
Classification: Likely benign. Last evaluated: 2016-08-04. Review status: criteria provided, single submitter. Criteria: EGL Classification Definitions 2015. Collection method: clinical testing. Allele origin: germline. Observed: 1 variant allele, 1 heterozygote.

PreventionGenetics, part of Exact Sciences
Classification: Likely benign for FLNC-related condition. Last evaluated: 2020-04-16. Review status: no assertion criteria provided. Collection method: clinical testing. Allele origin: germline. Not counted in ClinVar's aggregate classification.
Comment: This variant is classified as likely benign based on ACMG/AMP sequence variant interpretation guidelines (Richards et al. 2015 PMID: 25741868, with internal and published modifications).

Clinical Genetics DNA and cytogenetics Diagnostics Lab, Erasmus MC, Erasmus Medical Center
Classification: Likely benign. Review status: no assertion criteria provided. Collection method: clinical testing. Allele origin: germline. Affected: yes. Study: VKGL Data-share Consensus. Not counted in ClinVar's aggregate classification.

Genome Diagnostics Laboratory, University Medical Center Utrecht
Classification: Likely benign. Review status: no assertion criteria provided. Collection method: clinical testing. Allele origin: germline. Affected: yes. Study: VKGL Data-share Consensus. Not counted in ClinVar's aggregate classification.